The following is an entry in ClinVar:

ClinVar aggregate classification (germline): Likely benign. Review status: criteria provided, single submitter (1 of 4 stars). 2 submissions from 2 submitters: Likely benign (1). 1 of the submissions does not count toward it. Last evaluated 2023-09-05.

Conditions:
EIF2AK3-related disorder. Also called: EIF2AK3-related condition.

Allele frequency attached by ClinVar (database versions not stated): TOPMed below 0.00001; ExAC 0.00001; gnomAD 0.00001.
gnomAD v4.1: 18 of 1,613,956 alleles (0.0011%); highest among the groups gnomAD compares: Non-Finnish European, 0.0014%; no homozygotes.

Submissions (2):

Labcorp Genetics (formerly Invitae), Labcorp
Classification: Likely benign. Last evaluated: 2023-09-05. Review status: criteria provided, single submitter. Criteria: Invitae Variant Classification Sherloc (09022015). Collection method: clinical testing. Allele origin: germline.

PreventionGenetics, part of Exact Sciences
Classification: Likely benign for EIF2AK3-related condition. Last evaluated: 2024-01-02. Review status: no assertion criteria provided. Collection method: clinical testing. Allele origin: germline. Not counted in ClinVar's aggregate classification.
Comment: This variant is classified as likely benign based on ACMG/AMP sequence variant interpretation guidelines (Richards et al. 2015 PMID: 25741868, with internal and published modifications).

NM_004836.7(EIF2AK3):c.606A>T (p.Thr202=)

Gene: EIF2AK3 (eukaryotic translation initiation factor 2 alpha kinase 3; minus strand). Cytogenetic location: 2p11.2.
Variant type: single nucleotide variant.
Coding change: c.606A>T on transcript NM_004836.7 (MANE Select); coding-DNA position 606, A replaced by T.
Protein change: p.Thr202=; no amino-acid change (threonine 202 retained).
Molecular consequence: synonymous variant.
Genome position (GRCh38, 1-based): chr2:88,595,496, T>A on the plus strand (A>T on the coding strand, the complement: EIF2AK3 is on the minus strand). VCF-style: chr2-88595496-T-A. GRCh37 (hg19) VCF-style: chr2-88895014-T-A.
Other names: c.153A>T, p.Thr51= (NM_001313915.2); c.606A>T (NM_004836.6).
Identifiers: ClinVar variation 2786823 (VCV002786823.5), dbSNP rs750053426, ClinGen allele CA1754892.